The following is an entry in ClinVar:

NM_032043.3(BRIP1):c.365C>T (p.Ser122Leu)

Gene: BRIP1 (BRCA1 interacting DNA helicase 1; minus strand). Cytogenetic location: 17q23.2.
Variant type: single nucleotide variant.
Coding change: c.365C>T on transcript NM_032043.3 (MANE Select); coding-DNA position 365, C replaced by T.
Protein change: p.Ser122Leu; replaces serine 122 with leucine.
Molecular consequence: missense variant.
Genome position (GRCh38, 1-based): chr17:61,857,072, G>A on the plus strand (C>T on the coding strand, the complement: BRIP1 is on the minus strand). VCF-style: chr17-61857072-G-A. GRCh37 (hg19) VCF-style: chr17-59934433-G-A.
Other names: short protein forms S122L.
Identifiers: ClinVar variation 1733666 (VCV001733666.2), dbSNP rs2145826308, ClinGen allele CA400485288.

ClinVar aggregate classification (germline): Uncertain significance (1 of 4 stars; one submission).

Conditions:
Hereditary cancer-predisposing syndrome. Also called: Neoplastic Syndromes, Hereditary; Tumor predisposition; Hereditary Cancer Syndrome; Hereditary neoplastic syndrome. Identifiers: Orphanet 140162, MedGen C0027672, MeSH D009386, MONDO:0015356.

Submission:

Ambry Genetics
Classification: Uncertain significance for Hereditary cancer-predisposing syndrome. Last evaluated: 2022-10-12. Review status: criteria provided, single submitter. Criteria: Ambry Variant Classification Scheme 2023. Collection method: clinical testing. Allele origin: germline.
Comment: The p.S122L variant (also known as c.365C>T), located in coding exon 3 of the BRIP1 gene, results from a C to T substitution at nucleotide position 365. The serine at codon 122 is replaced by leucine, an amino acid with dissimilar properties. This amino acid position is conserved. In addition, this alteration is predicted to be tolerated by in silico analysis. Since supporting evidence is limited at this time, the clinical significance of this alteration remains unclear.